The following is an entry in ClinVar:

NM_152743.4(BRAT1):c.104G>T (p.Trp35Leu)

Gene: BRAT1 (BRCA1 associated ATM activator 1; minus strand). Cytogenetic location: 7p22.3.
Variant type: single nucleotide variant.
Coding change: c.104G>T on transcript NM_152743.4 (MANE Select); coding-DNA position 104, G replaced by T.
Protein change: p.Trp35Leu; replaces tryptophan 35 with leucine.
Molecular consequence: missense variant. On other transcripts: 5 prime UTR variant (1), non-coding transcript variant (1).
Genome position (GRCh38, 1-based): chr7:2,554,328, C>A on the plus strand (G>T on the coding strand, the complement: BRAT1 is on the minus strand). VCF-style: chr7-2554328-C-A. GRCh37 (hg19) VCF-style: chr7-2593962-C-A.
Other names: c.104G>T, p.Trp35Leu (NM_001350626.2); c.-274G>T (NM_001350627.2); short protein forms W35L.
Identifiers: ClinVar variation 849191 (VCV000849191.8), dbSNP rs759064339, ClinGen allele CA4128321.

ClinVar aggregate classification (germline): Uncertain significance. Review status: criteria provided, multiple submitters, no conflicts (2 of 4 stars). 3 submissions from 3 submitters: Uncertain significance (3). Last evaluated 2024-06-13.

Conditions:
Inborn genetic diseases. Identifiers: MedGen C0950123, MeSH D030342.
Neonatal-onset encephalopathy with rigidity and seizures. Also called: Lethal neonatal spasticity-epileptic encephalopathy syndrome. Identifiers: Orphanet 435845, MedGen C3281029, MONDO:0013784, OMIM 614498.

Allele frequency attached by ClinVar (database versions not stated): ExAC 0.00001; gnomAD exomes 0.00001; gnomAD 0.00002; TOPMed 0.00003.
gnomAD v4.1: 21 of 1,613,770 alleles (0.0013%); highest among the groups gnomAD compares: Non-Finnish European, 0.0018%; no homozygotes.

Submissions (3):

Blueprint Genetics
Classification: Uncertain significance. Last evaluated: 2024-06-13. Review status: criteria provided, single submitter. Criteria: ACMG Guidelines, 2015. Collection method: clinical testing. Allele origin: germline.

Ambry Genetics
Classification: Uncertain significance for Inborn genetic diseases. Last evaluated: 2023-11-20. Review status: criteria provided, single submitter. Criteria: Ambry Variant Classification Scheme 2023. Collection method: clinical testing. Allele origin: germline.

Labcorp Genetics (formerly Invitae), Labcorp
Classification: Uncertain significance for Neonatal-onset encephalopathy with rigidity and seizures. Last evaluated: 2022-03-25. Review status: criteria provided, single submitter. Criteria: Invitae Variant Classification Sherloc (09022015). Collection method: clinical testing. Allele origin: germline.
Comment: This sequence change replaces tryptophan, which is neutral and slightly polar, with leucine, which is neutral and non-polar, at codon 35 of the BRAT1 protein (p.Trp35Leu). This variant is present in population databases (rs759064339, gnomAD 0.002%). This variant has not been reported in the literature in individuals affected with BRAT1-related conditions. ClinVar contains an entry for this variant (Variation ID: 849191). Algorithms developed to predict the effect of missense changes on protein structure and function (SIFT, PolyPhen-2, Align-GVGD) all suggest that this variant is likely to be disruptive. In summary, the available evidence is currently insufficient to determine the role of this variant in disease. Therefore, it has been classified as a Variant of Uncertain Significance.